The following is an entry in ClinVar:

ClinVar aggregate classification (germline): Uncertain significance (1 of 4 stars; one submission).

gnomAD v4.1: 3 of 1,614,108 alleles (0.00019%); highest among the groups gnomAD compares: East Asian, 0.0067%; 1 homozygote.

Submission:

Labcorp Genetics (formerly Invitae), Labcorp
Classification: Uncertain significance. Last evaluated: 2024-07-04. Review status: criteria provided, single submitter. Criteria: Invitae Variant Classification Sherloc (09022015). Collection method: clinical testing. Allele origin: germline.
Comment: This sequence change replaces glutamic acid, which is acidic and polar, with lysine, which is basic and polar, at codon 2069 of the TECTA protein (p.Glu2069Lys). This variant is not present in population databases (gnomAD no frequency). This variant has not been reported in the literature in individuals affected with TECTA-related conditions. Advanced modeling of protein sequence and biophysical properties (such as structural, functional, and spatial information, amino acid conservation, physicochemical variation, residue mobility, and thermodynamic stability) performed at Invitae indicates that this missense variant is not expected to disrupt TECTA protein function with a negative predictive value of 95%. In summary, the available evidence is currently insufficient to determine the role of this variant in disease. Therefore, it has been classified as a Variant of Uncertain Significance.

NM_005422.4(TECTA):c.6205G>A (p.Glu2069Lys)

Genes: TBCEL-TECTA (TBCEL-TECTA readthrough; plus strand), TECTA (tectorin alpha; plus strand). Cytogenetic location: 11q23.3.
Variant type: single nucleotide variant.
Coding change: c.6205G>A on transcript NM_005422.4 (MANE Select); coding-DNA position 6205, G replaced by A.
Protein change: p.Glu2069Lys; replaces glutamic acid 2069 with lysine.
Molecular consequence: missense variant.
Genome position (GRCh38, 1-based): chr11:121,189,122, G>A. VCF-style: chr11-121189122-G-A. GRCh37 (hg19) VCF-style: chr11-121059831-G-A.
Other names: c.7147G>A, p.Glu2383Lys (NM_001378761.1); short protein forms E2069K, E2383K.
Identifiers: ClinVar variation 3634416 (VCV003634416.2).
Genomic context (GRCh38, chr11:121,189,122, plus strand): 5'-TGGTATTCTGTCTTGCAGACTTGCCCACACAATTCCAGGATTGCCACAGATTACACAAAA[G>A]AGCCCAAAGAACAGATCATTTCAGTGGGACCTATTAGGAGAAAAAGTATGTATGTTCCCT-3'
Protein context (NP_005413.2, residues 2059-2079): NSRIATDYTK[Glu2069Lys]PKEQIISVGP